The following is an entry in ClinVar:

ClinVar aggregate classification (germline): Likely pathogenic (1 of 4 stars; one submission).

Submission:

Labcorp Genetics (formerly Invitae), Labcorp
Classification: Likely pathogenic. Last evaluated: 2025-03-07. Review status: criteria provided, single submitter. Criteria: Invitae Variant Classification Sherloc (09022015). Collection method: clinical testing. Allele origin: germline.
Comment: This sequence change affects an acceptor splice site in intron 6 of the ADAMTS13 gene. It is expected to disrupt RNA splicing. Variants that disrupt the donor or acceptor splice site typically lead to a loss of protein function (PMID: 16199547), and loss-of-function variants in ADAMTS13 are known to be pathogenic (PMID: 11586351, 12753286, 21781265). The frequency data for this variant in the population databases is considered unreliable, as metrics indicate poor data quality at this position in the gnomAD database. Disruption of this splice site has been observed in individual(s) with thrombotic thrombocytopenic purpura (PMID: 15367436, 23346910, 30792199). Algorithms developed to predict the effect of sequence changes on RNA splicing suggest that this variant may disrupt the consensus splice site. In summary, the currently available evidence indicates that the variant is pathogenic, but additional data are needed to prove that conclusively. Therefore, this variant has been classified as Likely Pathogenic.

Literature cited by the submitters: PubMed 16199547; PubMed 11586351; PubMed 12753286; PubMed 21781265; PubMed 15367436; PubMed 23346910; PubMed 30792199.

NM_139027.6(ADAMTS13):c.687-2A>G

Gene: ADAMTS13 (ADAM metallopeptidase with thrombospondin type 1 motif 13; plus strand). Cytogenetic location: 9q34.2.
Variant type: single nucleotide variant.
Coding change: c.687-2A>G on transcript NM_139027.6 (MANE Select); the canonical splice acceptor site of the intron before coding-DNA position 687, A replaced by G.
Molecular consequence: splice acceptor variant.
Genome position (GRCh38, 1-based): chr9:133,428,632, A>G. VCF-style: chr9-133428632-A-G. GRCh37 (hg19) VCF-style: chr9-136293752-A-G.
Other names: c.687-2A>G (NM_139025.5, NM_139026.6).
Identifiers: ClinVar variation 4709713 (VCV004709713.1).